The following is an entry in ClinVar:

NM_206933.4(USH2A):c.343G>C (p.Asp115His)

Gene: USH2A (usherin; minus strand). Cytogenetic location: 1q41.
Variant type: single nucleotide variant.
Coding change: c.343G>C on transcript NM_206933.4 (MANE Select); coding-DNA position 343, G replaced by C.
Protein change: p.Asp115His; replaces aspartic acid 115 with histidine.
Molecular consequence: missense variant.
Genome position (GRCh38, 1-based): chr1:216,421,994, C>G on the plus strand (G>C on the coding strand, the complement: USH2A is on the minus strand). VCF-style: chr1-216421994-C-G. GRCh37 (hg19) VCF-style: chr1-216595336-C-G.
Other names: c.343G>C, p.Asp115His (NM_007123.6); short protein forms D115H.
Identifiers: ClinVar variation 1926763 (VCV001926763.5), dbSNP rs2039685207, ClinGen allele CA344904166.

ClinVar aggregate classification (germline): Uncertain significance (1 of 4 stars; one submission).

Submission:

Labcorp Genetics (formerly Invitae), Labcorp
Classification: Uncertain significance. Last evaluated: 2022-02-18. Review status: criteria provided, single submitter. Criteria: Invitae Variant Classification Sherloc (09022015). Collection method: clinical testing. Allele origin: germline.
Comment: This variant is not present in population databases (gnomAD no frequency). This sequence change replaces aspartic acid, which is acidic and polar, with histidine, which is basic and polar, at codon 115 of the USH2A protein (p.Asp115His). This variant has not been reported in the literature in individuals affected with USH2A-related conditions. In summary, the available evidence is currently insufficient to determine the role of this variant in disease. Therefore, it has been classified as a Variant of Uncertain Significance. Algorithms developed to predict the effect of missense changes on protein structure and function are either unavailable or do not agree on the potential impact of this missense change (SIFT: "Deleterious"; PolyPhen-2: "Possibly Damaging"; Align-GVGD: "Class C0").